The following is an entry in ClinVar:

NM_004385.5(VCAN):c.261A>T (p.Gln87His)

Gene: VCAN (versican; plus strand). Cytogenetic location: 5q14.2.
Variant type: single nucleotide variant.
Coding change: c.261A>T on transcript NM_004385.5 (MANE Select); coding-DNA position 261, A replaced by T.
Protein change: p.Gln87His; replaces glutamine 87 with histidine.
Molecular consequence: missense variant.
Genome position (GRCh38, 1-based): chr5:83,490,288, A>T. VCF-style: chr5-83490288-A-T. GRCh37 (hg19) VCF-style: chr5-82786107-A-T.
Other names: c.261A>T, p.Gln87His (NM_001126336.3, NM_001164097.2, NM_001164098.2); short protein forms Q87H.
Identifiers: ClinVar variation 3360455 (VCV003360455.1).

ClinVar aggregate classification (germline): Uncertain significance (1 of 4 stars; one submission).

Submission:

GeneDx
Classification: Uncertain significance. Last evaluated: 2023-06-26. Review status: criteria provided, single submitter. Criteria: GeneDx Variant Classification Process June 2021. Collection method: clinical testing. Allele origin: germline. Affected: yes.
Comment: Not observed at significant frequency in large population cohorts (gnomAD); In silico analysis supports that this missense variant has a deleterious effect on protein structure/function; Has not been previously published as pathogenic or benign to our knowledge